The following is an entry in ClinVar:

NM_002645.4(PIK3C2A):c.392T>C (p.Leu131Pro)

Gene: PIK3C2A (phosphatidylinositol-4-phosphate 3-kinase catalytic subunit type 2 alpha; minus strand). Cytogenetic location: 11p15.1.
Variant type: single nucleotide variant.
Coding change: c.392T>C on transcript NM_002645.4 (MANE Select); coding-DNA position 392, T replaced by C.
Protein change: p.Leu131Pro; replaces leucine 131 with proline.
Molecular consequence: missense variant. On other transcripts: intron variant (1).
Genome position (GRCh38, 1-based): chr11:17,169,350, A>G on the plus strand (T>C on the coding strand, the complement: PIK3C2A is on the minus strand). VCF-style: chr11-17169350-A-G. GRCh37 (hg19) VCF-style: chr11-17190897-A-G.
Other names: c.392T>C, p.Leu131Pro (NM_001321378.2, NM_001386870.1); c.-75-13721T>C (NM_001321380.2); short protein forms L131P.
Identifiers: ClinVar variation 2074665 (VCV002074665.4), dbSNP rs1198860604, ClinGen allele CA379777291.

ClinVar aggregate classification (germline): Uncertain significance (1 of 4 stars; one submission).

Allele frequency attached by ClinVar (database versions not stated): gnomAD exomes below 0.00001.
gnomAD v4.1: 2 of 1,613,940 alleles (0.00012%); highest among the groups gnomAD compares: Admixed American, 0.0017%; no homozygotes.

Submission:

Labcorp Genetics (formerly Invitae), Labcorp
Classification: Uncertain significance. Last evaluated: 2022-11-15. Review status: criteria provided, single submitter. Criteria: Invitae Variant Classification Sherloc (09022015). Collection method: clinical testing. Allele origin: germline.
Comment: In summary, the available evidence is currently insufficient to determine the role of this variant in disease. Therefore, it has been classified as a Variant of Uncertain Significance. Algorithms developed to predict the effect of missense changes on protein structure and function are either unavailable or do not agree on the potential impact of this missense change (SIFT: "Not Available"; PolyPhen-2: "Benign"; Align-GVGD: "Not Available"). This variant has not been reported in the literature in individuals affected with PIK3C2A-related conditions. This variant is present in population databases (no rsID available, gnomAD 0.003%). This sequence change replaces leucine, which is neutral and non-polar, with proline, which is neutral and non-polar, at codon 131 of the PIK3C2A protein (p.Leu131Pro).